The following is an entry in ClinVar:

ClinVar aggregate classification (germline): Uncertain significance (1 of 4 stars; one submission).

Submission:

GeneDx
Classification: Uncertain significance. Last evaluated: 2024-10-16. Review status: criteria provided, single submitter. Criteria: GeneDx Variant Classification Process June 2021. Collection method: clinical testing. Allele origin: germline. Affected: yes.
Comment: Not observed at significant frequency in large population cohorts (gnomAD); In silico analysis supports that this missense variant has a deleterious effect on protein structure/function; Has not been previously published as pathogenic or benign to our knowledge; This variant is associated with the following publications: (PMID: 22696272)

NM_000093.5(COL5A1):c.2180G>T (p.Gly727Val)

Gene: COL5A1 (collagen type V alpha 1 chain; plus strand). Cytogenetic location: 9q34.3.
Variant type: single nucleotide variant.
Coding change: c.2180G>T on transcript NM_000093.5 (MANE Select); coding-DNA position 2180, G replaced by T.
Protein change: p.Gly727Val; replaces glycine 727 with valine.
Molecular consequence: missense variant.
Genome position (GRCh38, 1-based): chr9:134,767,046, G>T. VCF-style: chr9-134767046-G-T. GRCh37 (hg19) VCF-style: chr9-137658892-G-T.
Other names: c.2180G>T, p.Gly727Val (NM_001278074.1); short protein forms G727V.
Identifiers: ClinVar variation 3781250 (VCV003781250.1).